The following is an entry in ClinVar:

ClinVar aggregate classification (germline): Pathogenic (1 of 4 stars; one submission).

Conditions:
Hereditary cancer-predisposing syndrome. Also called: Neoplastic Syndromes, Hereditary; Tumor predisposition; Hereditary Cancer Syndrome; Hereditary neoplastic syndrome. Identifiers: Orphanet 140162, MedGen C0027672, MeSH D009386, MONDO:0015356.

Submission:

Ambry Genetics
Classification: Pathogenic for Hereditary cancer-predisposing syndrome. Last evaluated: 2020-06-12. Review status: criteria provided, single submitter. Criteria: Ambry Variant Classification Scheme 2023. Collection method: clinical testing. Allele origin: germline.
Comment: The c.1254_1255delTC pathogenic mutation, located in coding exon 8 of the BRIP1 gene, results from a deletion of two nucleotides at nucleotide positions 1254 to 1255, causing a translational frameshift with a predicted alternate stop codon (p.R419Gfs*2). This alteration is expected to result in loss of function by premature protein truncation or nonsense-mediated mRNA decay. As such, this alteration is interpreted as a disease-causing mutation.

NM_032043.3(BRIP1):c.1254_1255del (p.Arg419fs)

Gene: BRIP1 (BRCA1 interacting DNA helicase 1; minus strand). Cytogenetic location: 17q23.2.
Variant type: Deletion.
Coding change: c.1254_1255del on transcript NM_032043.3 (MANE Select); coding-DNA positions 1254 to 1255, 2 bases deleted (TC; older notation c.1254_1255delTC).
Protein change: p.Arg419fs; shifts the reading frame from arginine 419.
Molecular consequence: frameshift variant.
Genome position (GRCh38, 1-based): chr17:61,799,185-61,799,186, GA deleted on the plus strand (TC on the coding strand, the reverse complement: BRIP1 is on the minus strand); deleting any 2 consecutive bases within chr17:61,799,185-61,799,187 gives the same sequence; the c. name uses the placement nearest the transcript's 3' end. VCF-style (leftmost placement, unchanged base first): chr17-61799184-CGA-C. GRCh37 (hg19) VCF-style: chr17-59876545-CGA-C.
Other names: c.1254_1255delTC (NM_032043.2); short protein forms R419fs.
Identifiers: ClinVar variation 1761320 (VCV001761320.2), dbSNP rs2545136483, ClinGen allele CA2580094488.
Genomic context (GRCh38, chr17:61,799,184, plus strand): 5'-CGTAGGGGTTCATGATCTTTCTTCCTTATATTATTGTTGACCATACTATCTAGTTCATCC[CGA>C]GCAAACCGAAGCTGAACTTCTGTTACACTGTAACTTGCTGATTCCCGAGCACAGTCCTCG-3'